The following is an entry in ClinVar:

ClinVar aggregate classification (germline): Likely benign. Review status: criteria provided, multiple submitters, no conflicts (2 of 4 stars). 2 submissions from 2 submitters: Likely benign (2). Last evaluated 2025-08-01.

Allele frequency attached by ClinVar (database versions not stated): gnomAD exomes 0.00016; ExAC 0.00023; ESP Exome Variant Server 0.00023; TOPMed 0.00023; gnomAD 0.00029.
gnomAD v4.1: 297 of 1,610,366 alleles (0.018%); highest among the groups gnomAD compares: African/African-American, 0.038%; 1 homozygote.

Submissions (2):

CeGaT Center for Human Genetics Tuebingen
Classification: Likely benign. Last evaluated: 2025-08-01. Review status: criteria provided, single submitter. Criteria: CeGaT Center For Human Genetics Tuebingen Variant Classification Criteria Version 2. Collection method: clinical testing. Allele origin: germline. Affected: yes. Observed: 5 variant alleles.
Comment: ACTL6B: BP4, BP7

Blueprint Genetics
Classification: Likely benign. Last evaluated: 2024-11-20. Review status: criteria provided, single submitter. Criteria: ACMG Guidelines, 2015. Collection method: clinical testing. Allele origin: germline.

NM_016188.5(ACTL6B):c.786C>T (p.Ser262=)

Gene: ACTL6B (actin like 6B; minus strand). Cytogenetic location: 7q22.1.
Variant type: single nucleotide variant.
Coding change: c.786C>T on transcript NM_016188.5 (MANE Select); coding-DNA position 786, C replaced by T.
Protein change: p.Ser262=; no amino-acid change (serine 262 retained).
Molecular consequence: synonymous variant. On other transcripts: non-coding transcript variant (1).
Genome position (GRCh38, 1-based): chr7:100,647,258, G>A on the plus strand (C>T on the coding strand, the complement: ACTL6B is on the minus strand). VCF-style: chr7-100647258-G-A. GRCh37 (hg19) VCF-style: chr7-100244881-G-A.
Identifiers: ClinVar variation 2657752 (VCV002657752.25), dbSNP rs147582494, ClinGen allele CA4387146.
Genomic context (GRCh38, chr7:100,647,258, plus strand): 5'-CCCCAAAGCCCTGAGCCACACTCACTGTTCATCGTAGGGGGAGTCTGAGACCTGCAGCAC[G>A]GAGGCCTGGAAGTCCTGGATCACCTCCTGAAATCCCAGCGGAGGTGGTGAGGGCCTGCCT-3'
Protein context (NP_057272.1, residues 252-272): CNEVIQDFQA[Ser262=]VLQVSDSPYD